The following is an entry in ClinVar:

ClinVar aggregate classification (germline): Uncertain significance (1 of 4 stars; one submission).

gnomAD v4.1: 1 of 1,613,514 alleles (0.000062%); highest among the groups gnomAD compares: Non-Finnish European, 0.000085%; no homozygotes.

Submission:

Ambry Genetics
Classification: Uncertain significance. Last evaluated: 2025-04-03. Review status: criteria provided, single submitter. Criteria: Ambry Variant Classification Scheme 2023. Collection method: clinical testing. Allele origin: germline.
Comment: The p.P691L variant (also known as c.2072C>T), located in coding exon 13 of the GEN1 gene, results from a C to T substitution at nucleotide position 2072. The proline at codon 691 is replaced by leucine, an amino acid with similar properties. This amino acid position is conserved. In addition, this alteration is predicted to be tolerated by in silico analysis. Based on the available evidence, the clinical significance of this variant remains unclear.

NM_001130009.3(GEN1):c.2072C>T (p.Pro691Leu)

Gene: GEN1 (GEN1 Holliday junction 5' flap endonuclease; plus strand). Cytogenetic location: 2p24.2.
Variant type: single nucleotide variant.
Coding change: c.2072C>T on transcript NM_001130009.3 (MANE Select); coding-DNA position 2072, C replaced by T.
Protein change: p.Pro691Leu; replaces proline 691 with leucine.
Molecular consequence: missense variant.
Genome position (GRCh38, 1-based): chr2:17,781,284, C>T. VCF-style: chr2-17781284-C-T. GRCh37 (hg19) VCF-style: chr2-17962551-C-T.
Other names: c.2072C>T, p.Pro691Leu (NM_182625.5); short protein forms P691L.
Identifiers: ClinVar variation 4029195 (VCV004029195.1).